The following is an entry in ClinVar:

ClinVar aggregate classification (germline): Uncertain significance. Review status: criteria provided, multiple submitters, no conflicts (2 of 4 stars). 2 submissions from 2 submitters: Uncertain significance (2). Last evaluated 2024-01-21.

Conditions:
Inborn genetic diseases. Identifiers: MedGen C0950123, MeSH D030342.
Charcot-Marie-Tooth disease type 2. Also called: Charcot-Marie-Tooth type 2. Identifiers: Orphanet 64746, MedGen C0270914, MONDO:0018993.

Allele frequency attached by ClinVar (database versions not stated): gnomAD exomes below 0.00001; TOPMed below 0.00001; ExAC 0.00001.
gnomAD v4.1: 2 of 1,614,228 alleles (0.00012%); highest among the groups gnomAD compares: Non-Finnish European, 0.00017%; no homozygotes.

Submissions (2):

Labcorp Genetics (formerly Invitae), Labcorp
Classification: Uncertain significance for Charcot-Marie-Tooth disease type 2. Last evaluated: 2024-01-21. Review status: criteria provided, single submitter. Criteria: Invitae Variant Classification Sherloc (09022015). Collection method: clinical testing. Allele origin: germline.
Comment: This sequence change replaces threonine, which is neutral and polar, with isoleucine, which is neutral and non-polar, at codon 38 of the AARS protein (p.Thr38Ile). This variant is present in population databases (rs761574997, gnomAD 0.0009%). This variant has not been reported in the literature in individuals affected with AARS-related conditions. ClinVar contains an entry for this variant (Variation ID: 1024400). Advanced modeling of protein sequence and biophysical properties (such as structural, functional, and spatial information, amino acid conservation, physicochemical variation, residue mobility, and thermodynamic stability) performed at Invitae indicates that this missense variant is expected to disrupt AARS protein function with a positive predictive value of 95%. In summary, the available evidence is currently insufficient to determine the role of this variant in disease. Therefore, it has been classified as a Variant of Uncertain Significance.

Ambry Genetics
Classification: Uncertain significance for Inborn genetic diseases. Last evaluated: 2023-03-03. Review status: criteria provided, single submitter. Criteria: Ambry Variant Classification Scheme 2023. Collection method: clinical testing. Allele origin: germline.

NM_001605.3(AARS1):c.113C>T (p.Thr38Ile)

Gene: AARS1 (alanyl-tRNA synthetase 1; minus strand). Cytogenetic location: 16q22.1.
Variant type: single nucleotide variant.
Coding change: c.113C>T on transcript NM_001605.3 (MANE Select); coding-DNA position 113, C replaced by T.
Protein change: p.Thr38Ile; replaces threonine 38 with isoleucine.
Molecular consequence: missense variant.
Genome position (GRCh38, 1-based): chr16:70,282,651, G>A on the plus strand (C>T on the coding strand, the complement: AARS1 is on the minus strand). VCF-style: chr16-70282651-G-A. GRCh37 (hg19) VCF-style: chr16-70316554-G-A.
Other names: c.113C>T (NM_001605.2); short protein forms T38I.
Identifiers: ClinVar variation 1024400 (VCV001024400.8), dbSNP rs761574997, ClinGen allele CA8141219.